The following is an entry in ClinVar:

ClinVar aggregate classification (germline): Pathogenic. Review status: criteria provided, multiple submitters, no conflicts (2 of 4 stars). 2 submissions from 2 submitters: Pathogenic (2). Last evaluated 2020-09-15.

Conditions:
Combined oxidative phosphorylation defect type 27. Also called: Combined oxidative phosphorylation deficiency 27. Identifiers: Orphanet 477774, MedGen C5567608, MONDO:0014728, OMIM 616672.
Inborn genetic diseases. Identifiers: MedGen C0950123, MeSH D030342.

Allele frequency attached by ClinVar (database versions not stated): gnomAD exomes below 0.00001.

Submissions (2):

Ambry Genetics
Classification: Pathogenic for Inborn genetic diseases. Last evaluated: 2020-09-15. Review status: criteria provided, single submitter. Criteria: Ambry Variant Classification Scheme 2023. Collection method: clinical testing. Allele origin: germline.
Comment: The c.1360dupA (p.I454Nfs*5) alteration, located in coding exon 13 of the CARS2 gene, consists of a duplication of A at position 1360, causing a translational frameshift with a predicted alternate stop codon after 5 amino acids. This alteration is expected to result in loss of function by premature protein truncation or nonsense-mediated mRNA decay. Based on the available evidence, this alteration is classified as pathogenic.

Centre for Mendelian Genomics, University Medical Centre Ljubljana
Classification: Pathogenic for Combined oxidative phosphorylation defect type 27. Last evaluated: 2019-07-26. Review status: criteria provided, single submitter. Criteria: ACMG Guidelines, 2015. Collection method: clinical testing. Allele origin: unknown. Affected: yes.
Comment: This variant was classified as: Pathogenic. The following ACMG criteria were applied in classifying this variant: PVS1,PM2,PP5.

NM_024537.4(CARS2):c.1360dup (p.Ile454fs)

Gene: CARS2 (cysteinyl-tRNA synthetase 2, mitochondrial; minus strand). Cytogenetic location: 13q34.
Variant type: Duplication.
Coding change: c.1360dup on transcript NM_024537.4 (MANE Select); coding-DNA position 1360, one base duplicated (A; older notation c.1360dupA).
Protein change: p.Ile454fs; shifts the reading frame from isoleucine 454.
Molecular consequence: frameshift variant. On other transcripts: non-coding transcript variant (2).
Genome position (GRCh38, 1-based): chr13:110,644,441, T duplicated on the plus strand (A on the coding strand, the reverse complement: CARS2 is on the minus strand). VCF-style (leftmost placement, unchanged base first): chr13-110644440-A-AT. GRCh37 (hg19) VCF-style: chr13-111296787-A-AT.
Other names: c.574dup, p.Ile192fs (NM_001352252.2); short protein forms I454fs, I192fs.
Identifiers: ClinVar variation 521824 (VCV000521824.8), dbSNP rs1555342802, ClinGen allele CA658798040.